The following is an entry in ClinVar:

ClinVar aggregate classification (germline): Uncertain significance (1 of 4 stars; one submission).

Conditions:
FG syndrome (FGS). Identifiers: MedGen C0220769, MONDO:0002010.

Submission:

Labcorp Genetics (formerly Invitae), Labcorp
Classification: Uncertain significance for FG syndrome. Last evaluated: 2023-07-30. Review status: criteria provided, single submitter. Criteria: Invitae Variant Classification Sherloc (09022015). Collection method: clinical testing. Allele origin: germline.
Comment: This sequence change replaces methionine, which is neutral and non-polar, with leucine, which is neutral and non-polar, at codon 1921 of the MED12 protein (p.Met1921Leu). This variant is not present in population databases (gnomAD no frequency). This variant has not been reported in the literature in individuals affected with MED12-related conditions. Advanced modeling of protein sequence and biophysical properties (such as structural, functional, and spatial information, amino acid conservation, physicochemical variation, residue mobility, and thermodynamic stability) performed at Invitae indicates that this missense variant is not expected to disrupt MED12 protein function. In summary, the available evidence is currently insufficient to determine the role of this variant in disease. Therefore, it has been classified as a Variant of Uncertain Significance.

NM_005120.3(MED12):c.5761A>T (p.Met1921Leu)

Gene: MED12 (mediator complex subunit 12; plus strand). Cytogenetic location: Xq13.1.
Variant type: single nucleotide variant.
Coding change: c.5761A>T on transcript NM_005120.3 (MANE Select); coding-DNA position 5761, A replaced by T.
Protein change: p.Met1921Leu; replaces methionine 1921 with leucine.
Molecular consequence: missense variant.
Genome position (GRCh38, 1-based): chrX:71,137,570, A>T. VCF-style: chrX-71137570-A-T. GRCh37 (hg19) VCF-style: chrX-70357420-A-T.
Other names: short protein forms M1921L.
Identifiers: ClinVar variation 2749442 (VCV002749442.3), dbSNP rs1315138405, ClinGen allele CA413537800.